The following is an entry in ClinVar:

ClinVar aggregate classification (germline): Uncertain significance (1 of 4 stars; one submission).

Submission:

GeneDx
Classification: Uncertain significance. Last evaluated: 2019-09-04. Review status: criteria provided, single submitter. Criteria: GeneDx Variant Classification Process June 2021. Collection method: clinical testing. Allele origin: germline. Affected: yes.
Comment: Not observed in large population cohorts (Lek 2016); In silico analysis, which includes protein predictors and evolutionary conservation, supports that this variant does not alter protein structure/function; Has not been previously published as pathogenic or benign to our knowledge

NM_000059.4(BRCA2):c.7984A>C (p.Thr2662Pro)

Gene: BRCA2 (BRCA2 DNA repair associated; plus strand). Cytogenetic location: 13q13.1.
Variant type: single nucleotide variant.
Coding change: c.7984A>C on transcript NM_000059.4 (MANE Select); coding-DNA position 7984, A replaced by C.
Protein change: p.Thr2662Pro; replaces threonine 2662 with proline.
Molecular consequence: missense variant.
Genome position (GRCh38, 1-based): chr13:32,363,186, A>C. VCF-style: chr13-32363186-A-C. GRCh37 (hg19) VCF-style: chr13-32937323-A-C.
Other names: short protein forms T2662P.
Identifiers: ClinVar variation 1316066 (VCV001316066.2), dbSNP rs1566245207, ClinGen allele CA387748533.
Genomic context (GRCh38, chr13:32,363,186, plus strand): 5'-TGGAATTCTAGAGTCACACTTCCTAAAATATGCATTTTTGTTTTCACTTTTAGATATGAT[A>C]CGGAAATTGATAGAAGCAGAAGATCGGCTATAAAAAAGATAATGGAAAGGGATGACACAG-3'
Protein context (NP_000050.3, residues 2652-2672): VLLQLKYRYD[Thr2662Pro]EIDRSRRSAI